The following is an entry in ClinVar:

NM_007009.3(ZPBP):c.*1G>A

Gene: ZPBP (zona pellucida binding protein; minus strand). Cytogenetic location: 7p12.2.
Variant type: single nucleotide variant.
Coding change: c.*1G>A on transcript NM_007009.3 (MANE Select); 1 bases downstream of the stop codon, G replaced by A.
Molecular consequence: 3 prime UTR variant.
Genome position (GRCh38, 1-based): chr7:49,937,527, C>T on the plus strand (G>A on the coding strand, the complement: ZPBP is on the minus strand). VCF-style: chr7-49937527-C-T. GRCh37 (hg19) VCF-style: chr7-49977123-C-T.
Other names: c.*1G>A (NM_001159878.2).
Identifiers: ClinVar variation 3040514 (VCV003040514.2), dbSNP rs141832800, ClinGen allele CA4260666.

ClinVar aggregate classification (germline): Likely benign (0 of 4 stars; one submission).

Conditions:
ZPBP-related disorder. Also called: ZPBP-related condition.

Allele frequency attached by ClinVar (database versions not stated): 1000 Genomes Project 30x 0.00078; 1000 Genomes Project 0.00080; ESP Exome Variant Server 0.00123.
gnomAD v4.1: 401 of 1,610,108 alleles (0.025%); highest among the groups gnomAD compares: African/African-American, 0.48%; 3 homozygotes.

Submission:

PreventionGenetics, part of Exact Sciences
Classification: Likely benign for ZPBP-related condition. Last evaluated: 2019-10-28. Review status: no assertion criteria provided. Collection method: clinical testing. Allele origin: germline.
Comment: This variant is classified as likely benign based on ACMG/AMP sequence variant interpretation guidelines (Richards et al. 2015 PMID: 25741868, with internal and published modifications).